The following is an entry in ClinVar:

NM_032581.4(HYCC1):c.598C>G (p.Leu200Val)

Gene: HYCC1 (hyccin PI4KA lipid kinase complex subunit 1; minus strand). Cytogenetic location: 7p15.3.
Variant type: single nucleotide variant.
Coding change: c.598C>G on transcript NM_032581.4 (MANE Select); coding-DNA position 598, C replaced by G.
Protein change: p.Leu200Val; replaces leucine 200 with valine.
Molecular consequence: missense variant.
Genome position (GRCh38, 1-based): chr7:22,976,238, G>C on the plus strand (C>G on the coding strand, the complement: HYCC1 is on the minus strand). VCF-style: chr7-22976238-G-C. GRCh37 (hg19) VCF-style: chr7-23015857-G-C.
Other names: c.598C>G, p.Leu200Val (NM_001363466.2, NM_001363467.2); short protein forms L200V.
Identifiers: ClinVar variation 2823050 (VCV002823050.3), dbSNP rs2534428742, ClinGen allele CA366974930.

ClinVar aggregate classification (germline): Uncertain significance (1 of 4 stars; one submission).

Conditions:
Hypomyelination and Congenital Cataract (HLD5). Also called: hypomyelinating leukodystrophy 5. Identifiers: Orphanet 85163, MedGen C1864663, MONDO:0012514, OMIM 610532.

Submission:

Labcorp Genetics (formerly Invitae), Labcorp
Classification: Uncertain significance for Hypomyelination and Congenital Cataract. Last evaluated: 2022-12-31. Review status: criteria provided, single submitter. Criteria: Invitae Variant Classification Sherloc (09022015). Collection method: clinical testing. Allele origin: germline.
Comment: In summary, the available evidence is currently insufficient to determine the role of this variant in disease. Therefore, it has been classified as a Variant of Uncertain Significance. Advanced modeling of protein sequence and biophysical properties (such as structural, functional, and spatial information, amino acid conservation, physicochemical variation, residue mobility, and thermodynamic stability) performed at Invitae indicates that this missense variant is expected to disrupt FAM126A protein function. This variant has not been reported in the literature in individuals affected with FAM126A-related conditions. This variant is not present in population databases (gnomAD no frequency). This sequence change replaces leucine, which is neutral and non-polar, with valine, which is neutral and non-polar, at codon 200 of the FAM126A protein (p.Leu200Val).